The following is an entry in ClinVar:

NM_000292.3(PHKA2):c.3344C>T (p.Pro1115Leu)

Genes: PHKA2-AS1 (PHKA2 antisense RNA 1; plus strand), PHKA2 (phosphorylase kinase regulatory subunit alpha 2; minus strand). Cytogenetic location: Xp22.13.
Variant type: single nucleotide variant.
Coding change: c.3344C>T on transcript NM_000292.3 (MANE Select); coding-DNA position 3344, C replaced by T.
Protein change: p.Pro1115Leu; replaces proline 1115 with leucine.
Molecular consequence: missense variant. On other transcripts: non-coding transcript variant (1).
Genome position (GRCh38, 1-based): chrX:18,894,397, G>A on the plus strand (C>T on the coding strand, the complement: PHKA2 is on the minus strand). VCF-style: chrX-18894397-G-A. GRCh37 (hg19) VCF-style: chrX-18912515-G-A.
Other names: short protein forms P1115L.
Identifiers: ClinVar variation 3383373 (VCV003383373.1).

ClinVar aggregate classification (germline): Uncertain significance (1 of 4 stars; one submission).

Conditions:
Glycogen storage disease IXa1. Also called: GLYCOGEN STORAGE DISEASE VIII; GSD VIII; Glycogen storage disease 8; LIVER GLYCOGENOSIS, X-LINKED, TYPE I. Identifiers: Orphanet 264580, MedGen C3694531, MONDO:0010598, OMIM 306000.

gnomAD v4.1: 39 of 1,208,123 alleles (0.0032%); highest among the groups gnomAD compares: East Asian, 0.062%; no homozygotes.

Submission:

Diagnostics Services (NGS), CSIR - Centre For Cellular And Molecular Biology
Classification: Uncertain significance for Glycogen storage disease IXa1. Last evaluated: 2024-11-06. Review status: criteria provided, single submitter. Criteria: ACMG Guidelines, 2015. Collection method: clinical testing. Allele origin: germline. Affected: yes. Observed: 1 variant allele, 1 hemizygote.
Comment: The c.3344C>T variant is not present in publicly available population databases like 1000 Genomes, EVS and Indian Exome Database. This variant is present in ExAC, gnomAD and our in-house exome database at low frequencies. This variant has neither been published in literature with PHKA2-related conditions nor reported to the clinical databases like ClinVar, Human Gene Mutation Database (HGMD) or OMIM, in any affected individuals. In-silico pathogenicity prediction programs like MutationTaster2, CADD etc predicted this variant to be likely deleterious, however these predictions were not confirmed by published functional studies.